The following is an entry in ClinVar:

NM_000789.4(ACE):c.2156G>A (p.Arg719Gln)

Gene: ACE (angiotensin I converting enzyme; plus strand). Cytogenetic location: 17q23.3.
Variant type: single nucleotide variant.
Coding change: c.2156G>A on transcript NM_000789.4 (MANE Select); coding-DNA position 2156, G replaced by A.
Protein change: p.Arg719Gln; replaces arginine 719 with glutamine.
Molecular consequence: missense variant. On other transcripts: non-coding transcript variant (1).
Genome position (GRCh38, 1-based): chr17:63,486,654, G>A. VCF-style: chr17-63486654-G-A. GRCh37 (hg19) VCF-style: chr17-61564015-G-A.
Other names: c.434G>A, p.Arg145Gln (NM_001178057.2, NM_152830.3); c.1589G>A, p.Arg530Gln (NM_001382700.1); c.1304G>A, p.Arg435Gln (NM_001382701.1); c.86G>A, p.Arg29Gln (NM_001382702.1); short protein forms R435Q, R530Q, R29Q, R145Q, R719Q.
Identifiers: ClinVar variation 2063803 (VCV002063803.4), dbSNP rs371010069, ClinGen allele CA8699949.
Genomic context (GRCh38, chr17:63,486,654, plus strand): 5'-AGTACGGCACCCAGGCCAGGAAGTTTGATGTGAACCAGTTGCAGAACACCACTATCAAGC[G>A]GATCATAAAGAAGGTTCAGGACCTAGAACGGGCAGCACTGCCTGCCCAGGAGCTGGAGGA-3'
Protein context (NP_000780.1, residues 709-729): VNQLQNTTIK[Arg719Gln]IIKKVQDLER

ClinVar aggregate classification (germline): Uncertain significance (1 of 4 stars; one submission).

Allele frequency attached by ClinVar (database versions not stated): gnomAD 0.00001; gnomAD exomes 0.00002; ESP Exome Variant Server 0.00008; ExAC 0.00002; TOPMed below 0.00001.
gnomAD v4.1: 30 of 1,614,106 alleles (0.0019%); highest among the groups gnomAD compares: Admixed American, 0.015%; no homozygotes.

Submission:

Labcorp Genetics (formerly Invitae), Labcorp
Classification: Uncertain significance. Last evaluated: 2022-07-02. Review status: criteria provided, single submitter. Criteria: Invitae Variant Classification Sherloc (09022015). Collection method: clinical testing. Allele origin: germline.
Comment: This sequence change replaces arginine, which is basic and polar, with glutamine, which is neutral and polar, at codon 719 of the ACE protein (p.Arg719Gln). This variant is present in population databases (rs371010069, gnomAD 0.02%). This variant has not been reported in the literature in individuals affected with ACE-related conditions. Algorithms developed to predict the effect of missense changes on protein structure and function (SIFT, PolyPhen-2, Align-GVGD) all suggest that this variant is likely to be disruptive. In summary, the available evidence is currently insufficient to determine the role of this variant in disease. Therefore, it has been classified as a Variant of Uncertain Significance.